The following is an entry in ClinVar:

NM_001152.5(SLC25A5):c.361G>T (p.Gly121Cys)

Gene: SLC25A5 (solute carrier family 25 member 5; plus strand). Cytogenetic location: Xq24.
Variant type: single nucleotide variant.
Coding change: c.361G>T on transcript NM_001152.5 (MANE Select); coding-DNA position 361, G replaced by T.
Protein change: p.Gly121Cys; replaces glycine 121 with cysteine.
Molecular consequence: missense variant.
Genome position (GRCh38, 1-based): chrX:119,469,910, G>T. VCF-style: chrX-119469910-G-T. GRCh37 (hg19) VCF-style: chrX-118603873-G-T.
Other names: c.361G>T (NM_001152.4); short protein forms G121C.
Identifiers: ClinVar variation 3059610 (VCV003059610.2), dbSNP rs753913830, ClinGen allele CA10502065.

ClinVar aggregate classification (germline): Benign (0 of 4 stars; one submission).

Conditions:
SLC25A5-related disorder. Also called: SLC25A5-related condition.

Allele frequency attached by ClinVar (database versions not stated): ExAC 0.00051; gnomAD exomes 0.00079; 1000 Genomes Project 30x 0.20312.

Submission:

PreventionGenetics, part of Exact Sciences
Classification: Benign for SLC25A5-related condition. Last evaluated: 2019-09-24. Review status: no assertion criteria provided. Collection method: clinical testing. Allele origin: germline.
Comment: This variant is classified as benign based on ACMG/AMP sequence variant interpretation guidelines (Richards et al. 2015 PMID: 25741868, with internal and published modifications).